The following is an entry in ClinVar:

NM_022124.6(CDH23):c.9148G>T (p.Val3050Leu)

Gene: CDH23 (cadherin related 23; plus strand). Cytogenetic location: 10q22.1.
Variant type: single nucleotide variant.
Coding change: c.9148G>T on transcript NM_022124.6 (MANE Select); coding-DNA position 9148, G replaced by T.
Protein change: p.Val3050Leu; replaces valine 3050 with leucine.
Molecular consequence: missense variant.
Genome position (GRCh38, 1-based): chr10:71,811,385, G>T. VCF-style: chr10-71811385-G-T. GRCh37 (hg19) VCF-style: chr10-73571142-G-T.
Other names: c.2428G>T, p.Val810Leu (NM_001171933.1, NM_001171934.1); c.9148G>T (NM_022124.5); short protein forms V810L, V3050L.
Identifiers: ClinVar variation 1407395 (VCV001407395.5), dbSNP rs367912333, ClinGen allele CA209442337.
Genomic context (GRCh38, chr10:71,811,385, plus strand): 5'-ATGATCGATGAGAACAAGGAGCAGCTACGGAATCTTTTCCGGAACTACAACGTCCTGGAC[G>T]TGCAGCCTGCCATCTCTGTCCGGCTGCCGGATGACATGTCTGCCCTGCAGGTACCCGGCG-3'
Protein context (NP_071407.4, residues 3040-3060): NLFRNYNVLD[Val3050Leu]QPAISVRLPD

ClinVar aggregate classification (germline): Uncertain significance. Review status: criteria provided, multiple submitters, no conflicts (2 of 4 stars). 3 submissions from 3 submitters: Uncertain significance (3). Last evaluated 2024-12-06.

Conditions:
CDH23-related disorder. Also called: CDH23-related condition; CDH23-related disorders.

Allele frequency attached by ClinVar (database versions not stated): 1000 Genomes Project 0.00020; 1000 Genomes Project 30x 0.00031.
gnomAD v4.1: 22 of 1,613,906 alleles (0.0014%); highest among the groups gnomAD compares: Admixed American, 0.022%; 1 homozygote.

Submissions (3):

PreventionGenetics, part of Exact Sciences
Classification: Uncertain significance for CDH23-related condition. Last evaluated: 2024-12-06. Review status: criteria provided, single submitter. Criteria: ACMG Guidelines, 2015. Collection method: clinical testing. Allele origin: germline.
Comment: The CDH23 c.9148G>T variant is predicted to result in the amino acid substitution p.Val3050Leu. To our knowledge, this variant has not been reported in the literature. This variant is reported in 0.0058% of alleles in individuals of Latino descent in gnomAD. At this time, the clinical significance of this variant is uncertain due to the absence of conclusive functional and genetic evidence.

Blueprint Genetics
Classification: Uncertain significance. Last evaluated: 2022-10-24. Review status: criteria provided, single submitter. Criteria: ACMG Guidelines, 2015. Collection method: clinical testing. Allele origin: germline.

Labcorp Genetics (formerly Invitae), Labcorp
Classification: Uncertain significance. Last evaluated: 2022-08-08. Review status: criteria provided, single submitter. Criteria: Invitae Variant Classification Sherloc (09022015). Collection method: clinical testing. Allele origin: germline.
Comment: This sequence change replaces valine, which is neutral and non-polar, with leucine, which is neutral and non-polar, at codon 3050 of the CDH23 protein (p.Val3050Leu). This variant is present in population databases (rs367912333, gnomAD 0.006%). This variant has not been reported in the literature in individuals affected with CDH23-related conditions. ClinVar contains an entry for this variant (Variation ID: 1407395). Algorithms developed to predict the effect of missense changes on protein structure and function are either unavailable or do not agree on the potential impact of this missense change (SIFT: "Tolerated"; PolyPhen-2: "Not Available"; Align-GVGD: "Class C0"). In summary, the available evidence is currently insufficient to determine the role of this variant in disease. Therefore, it has been classified as a Variant of Uncertain Significance.